The following is an entry in ClinVar:

NM_000135.4(FANCA):c.623C>G (p.Ser208Trp)

Gene: FANCA (FA complementation group A; minus strand). Cytogenetic location: 16q24.3.
Variant type: single nucleotide variant.
Coding change: c.623C>G on transcript NM_000135.4 (MANE Select); coding-DNA position 623, C replaced by G.
Protein change: p.Ser208Trp; replaces serine 208 with tryptophan.
Molecular consequence: missense variant.
Genome position (GRCh38, 1-based): chr16:89,805,366, G>C on the plus strand (C>G on the coding strand, the complement: FANCA is on the minus strand). VCF-style: chr16-89805366-G-C. GRCh37 (hg19) VCF-style: chr16-89871774-G-C.
Other names: c.623C>G (NM_000135.2); c.623C>G, p.Ser208Trp (NM_001018112.3, NM_001286167.3); c.527C>G, p.Ser176Trp (NM_001351830.2); short protein forms S208W, S176W.
Identifiers: ClinVar variation 1512399 (VCV001512399.5), dbSNP rs144420697, ClinGen allele CA397478148.

ClinVar aggregate classification (germline): Uncertain significance. Review status: criteria provided, multiple submitters, no conflicts (2 of 4 stars). 3 submissions from 3 submitters: Uncertain significance (3). Last evaluated 2024-03-07.

Conditions:
Fanconi anemia complementation group A (FANCA). Also called: FANCA-Related Fanconi Anemia; Fanconi anemia, group A. Identifiers: Orphanet 84, MedGen C3469521, MONDO:0009215, OMIM 227650.
Fanconi anemia (FA). Also called: Fanconi's anemia. Identifiers: Orphanet 84, MedGen C0015625, MeSH D005199, MONDO:0019391.

Submissions (3):

Fulgent Genetics
Classification: Uncertain significance for Fanconi anemia complementation group A. Last evaluated: 2024-03-07. Review status: criteria provided, single submitter. Criteria: ACMG Guidelines, 2015. Collection method: clinical testing. Allele origin: germline.

GeneDx
Classification: Uncertain significance. Last evaluated: 2022-10-07. Review status: criteria provided, single submitter. Criteria: GeneDx Variant Classification Process June 2021. Collection method: clinical testing. Allele origin: germline. Affected: yes.
Comment: Not observed at significant frequency in large population cohorts (gnomAD); In silico analysis supports that this missense variant has a deleterious effect on protein structure/function; Has not been previously published as pathogenic or benign to our knowledge

Labcorp Genetics (formerly Invitae), Labcorp
Classification: Uncertain significance for Fanconi anemia. Last evaluated: 2022-05-31. Review status: criteria provided, single submitter. Criteria: Invitae Variant Classification Sherloc (09022015). Collection method: clinical testing. Allele origin: germline.
Comment: This variant is not present in population databases (gnomAD no frequency). This sequence change replaces serine, which is neutral and polar, with tryptophan, which is neutral and slightly polar, at codon 208 of the FANCA protein (p.Ser208Trp). This variant has not been reported in the literature in individuals affected with FANCA-related conditions. ClinVar contains an entry for this variant (Variation ID: 1512399). Advanced modeling of protein sequence and biophysical properties (such as structural, functional, and spatial information, amino acid conservation, physicochemical variation, residue mobility, and thermodynamic stability) performed at Invitae indicates that this missense variant is not expected to disrupt FANCA protein function. In summary, the available evidence is currently insufficient to determine the role of this variant in disease. Therefore, it has been classified as a Variant of Uncertain Significance.